The following is an entry in ClinVar:

NM_201384.3(PLEC):c.4805C>T (p.Ala1602Val)

Gene: PLEC (plectin; minus strand). Cytogenetic location: 8q24.3.
Variant type: single nucleotide variant.
Coding change: c.4805C>T on transcript NM_201384.3 (MANE Select); coding-DNA position 4805, C replaced by T.
Protein change: p.Ala1602Val; replaces alanine 1602 with valine.
Molecular consequence: missense variant. On other transcripts: intron variant (1).
Genome position (GRCh38, 1-based): chr8:143,925,124, G>A on the plus strand (C>T on the coding strand, the complement: PLEC is on the minus strand). VCF-style: chr8-143925124-G-A. GRCh37 (hg19) VCF-style: chr8-144999292-G-A.
Other names: c.4886C>T, p.Ala1629Val (NM_000445.5); c.4763C>T, p.Ala1588Val (NM_201378.4); c.4739C>T, p.Ala1580Val (NM_201379.3); c.5216C>T, p.Ala1739Val (NM_201380.4); c.4709C>T, p.Ala1570Val (NM_201381.3); c.4805C>T, p.Ala1602Val (NM_201382.4); c.4817C>T, p.Ala1606Val (NM_201383.3); c.4125+1660C>T (NM_001410941.1); short protein forms A1606V, A1629V, A1570V, A1739V, A1602V, A1580V, A1588V.
Identifiers: ClinVar variation 2923077 (VCV002923077.3), dbSNP rs1554700810, ClinGen allele CA372552810.
Genomic context (GRCh38, chr8:143,925,124, plus strand): 5'-CGCTCGGCCTCGGCCTGCTGCTGTGCCCGCCGCTCAGCCTCCTCCCGCAGCTGTGCCACA[G>A]CCACGTGTTCCTCCTGCAGGGAGCGCTCCAGCTGTGCCGTCTTCTCGGCGAAGGAGGCGC-3'
Protein context (NP_958786.1, residues 1592-1612): LERSLQEEHV[Ala1602Val]VAQLREEAER

ClinVar aggregate classification (germline): Uncertain significance (1 of 4 stars; one submission).

Conditions:
Epidermolysis bullosa simplex with nail dystrophy (EBS5D). Identifiers: MedGen C4225309, MONDO:0014661, OMIM 616487.
Epidermolysis bullosa simplex, Ogna type (EBS5A). Also called: EPIDERMOLYSIS BULLOSA SIMPLEX 5A, OGNA TYPE; Pidermolysis bullosa simplex 5A, Ogna type. Identifiers: Orphanet 79401, MedGen C0432317, MONDO:0007555, OMIM 131950.
Epidermolysis bullosa simplex 5C, with pyloric atresia (EBS5C). Also called: PLEC1-Related Epidermolysis Bullosa with Pyloric Atresia; PLEC-Related Epidermolysis Bullosa with Pyloric Atresia; Epidermolysis bullosa simplex with pyloric atresia. Identifiers: Orphanet 158684, MedGen C2677349, MONDO:0012807, OMIM 612138.
Autosomal recessive limb-girdle muscular dystrophy type 2Q (LGMDR17). Also called: MUSCULAR DYSTROPHY, LIMB-GIRDLE, AUTOSOMAL RECESSIVE 17. Identifiers: Orphanet 254361, MedGen C3150989, MONDO:0013390, OMIM 613723.
Epidermolysis bullosa simplex 5B, with muscular dystrophy (EBS5B). Also called: EPIDERMOLYSIS BULLOSA SIMPLEX AND LIMB-GIRDLE MUSCULAR DYSTROPHY; Epidermolysis bullosa simplex with muscular dystrophy. Identifiers: Orphanet 257, MedGen C2931072, MONDO:0009181, OMIM 226670.

gnomAD v4.1: 3 of 1,557,962 alleles (0.00019%); highest among the groups gnomAD compares: Non-Finnish European, 0.00017%; no homozygotes.

Submission:

Labcorp Genetics (formerly Invitae), Labcorp
Classification: Uncertain significance for Autosomal recessive limb-girdle muscular dystrophy type 2Q; Epidermolysis bullosa simplex, Ogna type; Epidermolysis bullosa simplex with nail dystrophy; Epidermolysis bullosa simplex 5C, with pyloric atresia; Epidermolysis bullosa simplex 5B, with muscular dystrophy. Last evaluated: 2023-07-31. Review status: criteria provided, single submitter. Criteria: Invitae Variant Classification Sherloc (09022015). Collection method: clinical testing. Allele origin: germline.
Comment: This variant has not been reported in the literature in individuals affected with PLEC-related conditions. Experimental studies and prediction algorithms are not available or were not evaluated, and the functional significance of this variant is currently unknown. In summary, the available evidence is currently insufficient to determine the role of this variant in disease. Therefore, it has been classified as a Variant of Uncertain Significance. The frequency data for this variant in the population databases is considered unreliable, as metrics indicate poor data quality at this position in the gnomAD database. This sequence change replaces alanine, which is neutral and non-polar, with valine, which is neutral and non-polar, at codon 1629 of the PLEC protein (p.Ala1629Val).